The following is an entry in ClinVar:

NM_001394998.1(TANC2):c.3331+5C>T

Genes: TANC2 (tetratricopeptide repeat, ankyrin repeat and coiled-coil containing 2; plus strand), LOC105371856 (uncharacterized LOC105371856; minus strand). Cytogenetic location: 17q23.3.
Variant type: single nucleotide variant.
Coding change: c.3331+5C>T on transcript NM_001394998.1 (MANE Select); 5 bases into the intron after coding-DNA position 3331, C replaced by T.
Molecular consequence: intron variant.
Genome position (GRCh38, 1-based): chr17:63,398,919, C>T. VCF-style: chr17-63398919-C-T. GRCh37 (hg19) VCF-style: chr17-61476280-C-T.
Other names: c.3109+5C>T (NM_025185.4).
Identifiers: ClinVar variation 1701326 (VCV001701326.31), dbSNP rs759267375, ClinGen allele CA8697960.

ClinVar aggregate classification (germline): Likely benign (1 of 4 stars; one submission).

Allele frequency attached by ClinVar (database versions not stated): gnomAD exomes below 0.00001 and 0.00001; gnomAD 0.00001; TOPMed 0.00001; ExAC 0.00002.
gnomAD v4.1: 22 of 1,573,398 alleles (0.0014%); highest among the groups gnomAD compares: African/African-American, 0.016%; no homozygotes.

Submission:

CeGaT Center for Human Genetics Tuebingen
Classification: Likely benign. Last evaluated: 2022-07-01. Review status: criteria provided, single submitter. Criteria: CeGaT Center For Human Genetics Tuebingen Variant Classification Criteria Version 2. Collection method: clinical testing. Allele origin: germline. Affected: yes. Observed: 1 variant allele.
Comment: TANC2: BP4